The following is an entry in ClinVar:

NM_005591.4(MRE11):c.1563G>A (p.Glu521=)

Gene: MRE11 (MRE11 double strand break repair nuclease; minus strand). Cytogenetic location: 11q21.
Variant type: single nucleotide variant.
Coding change: c.1563G>A on transcript NM_005591.4 (MANE Select); coding-DNA position 1563, G replaced by A.
Protein change: p.Glu521=; no amino-acid change (glutamic acid 521 retained).
Molecular consequence: synonymous variant.
Genome position (GRCh38, 1-based): chr11:94,456,276, C>T on the plus strand (G>A on the coding strand, the complement: MRE11 is on the minus strand). VCF-style: chr11-94456276-C-T. GRCh37 (hg19) VCF-style: chr11-94189442-C-T.
Other names: c.1563G>A, p.Glu521= (NM_001330347.2, NM_005590.4).
Identifiers: ClinVar variation 240185 (VCV000240185.10), dbSNP rs779250359, ClinGen allele CA6235041.
Genomic context (GRCh38, chr11:94,456,276, plus strand): 5'-TGGTTATTCTAGTTTAAGAAAGTGATATATAAACACAAGAATTTGCAGCAGAATAATTAC[C>T]TCACGGACTTCATCATCTTCTTCATTAGTATTTTTTTGTCTGGTTTCTCTGAAACGACGT-3'
Protein context (NP_005582.1, residues 511-531): NTNEEDDEVR[Glu521=]AMTRARALRS

ClinVar aggregate classification (germline): Uncertain significance. Review status: criteria provided, multiple submitters, no conflicts (2 of 4 stars). 3 submissions from 3 submitters: Uncertain significance (3). Last evaluated 2025-12-05.

Conditions:
Ataxia-telangiectasia-like disorder (ATLD). Identifiers: MedGen C1858391, MONDO:0011457.
Hereditary cancer-predisposing syndrome. Also called: Hereditary Cancer Syndrome; Tumor predisposition; Hereditary neoplastic syndrome; Neoplastic Syndromes, Hereditary. Identifiers: Orphanet 140162, MedGen C0027672, MeSH D009386, MONDO:0015356.
Ataxia-telangiectasia-like disorder 1 (ATLD1). Identifiers: Orphanet 251347, MedGen C4012790, MONDO:0024557, OMIM 604391.

Allele frequency attached by ClinVar (database versions not stated): gnomAD exomes 0.00002 and 0.00001; ExAC 0.00001.
gnomAD v4.1: 15 of 1,613,150 alleles (0.00093%); highest among the groups gnomAD compares: Middle Eastern, 0.017%; no homozygotes.

Submissions (3):

Clinical Genomics Laboratory, Washington University in St. Louis
Classification: Uncertain significance for Ataxia-telangiectasia-like disorder 1. Last evaluated: 2025-12-05. Review status: criteria provided, single submitter. Criteria: ACMG Guidelines, 2015. Collection method: clinical testing. Allele origin: germline.
Comment: The MRE11 c.1563G>A (p.Glu521=) variant, to our knowledge, has not been reported in the medical literature but has been reported in the ClinVar database as a germline variant of uncertain significance by two submitters. This variant is only observed on 15/1,613,150 alleles in the general population (gnomAD v4.1.0), indicating it is not a common variant. This variant occurs in the last nucleotide of the exon, a position that is highly conserved and computational predictors indicate that this variant would alter splicing, evidence that correlates to an impact of this variant on MRE11 function. If this variant were to effect splicing, a skipping of this exon would be predicted, resulting in an in-frame deletion of 21 amino acids (p.Val501-p.Glu521) downstream of the DNA binding and RAD50 interaction domains (Williams GJ et al., PMID: 21035407). Due to limited information, and based on ACMG/AMP guidelines for variant interpretation (Richards S et al., PMID: 25741868), the clinical significance of this variant is uncertain at this time.The MRE11 c.476_477del (p.Val159Glyfs*6) variant, to our knowledge, has not been reported in the medical literature and is absent from the general population (gnomAD v4.1.0), indicating it is not a common variant. This variant causes a frameshift by deleting two nucleotides, leading to a premature termination codon, which is predicted to lead to nonsense mediated decay. Additionally, other truncating MRE11 variants have been described in this region and are considered pathogenic (Rahman S et al., PMID: 32668560). Based on available information and the ACMG/AMP guidelines for variant interpretation (Richards S et al., PMID: 25741868), this variant is classified as likely pathogenic.

Labcorp Genetics (formerly Invitae), Labcorp
Classification: Uncertain significance for Ataxia-telangiectasia-like disorder. Last evaluated: 2022-08-15. Review status: criteria provided, single submitter. Criteria: Invitae Variant Classification Sherloc (09022015). Collection method: clinical testing. Allele origin: germline.
Comment: This sequence change affects codon 521 of the MRE11 mRNA. It is a 'silent' change, meaning that it does not change the encoded amino acid sequence of the MRE11 protein. This variant also falls at the last nucleotide of exon 14, which is part of the consensus splice site for this exon. This variant is present in population databases (rs779250359, gnomAD 0.01%). This variant has not been reported in the literature in individuals affected with MRE11-related conditions. ClinVar contains an entry for this variant (Variation ID: 240185). Variants that disrupt the consensus splice site are a relatively common cause of aberrant splicing (PMID: 17576681, 9536098). Algorithms developed to predict the effect of sequence changes on RNA splicing suggest that this variant may disrupt the consensus splice site. In summary, the available evidence is currently insufficient to determine the role of this variant in disease. Therefore, it has been classified as a Variant of Uncertain Significance.

Ambry Genetics
Classification: Uncertain significance for Hereditary cancer-predisposing syndrome. Last evaluated: 2019-08-20. Review status: criteria provided, single submitter. Criteria: Ambry Variant Classification Scheme 2023. Collection method: clinical testing. Allele origin: germline.
Comment: The c.1563G>A variant (also known as p.E521E), located in coding exon 13 of the MRE11A gene, results from a G to A substitution at nucleotide position 1563. This nucleotide substitution does not change the amino acid at codon 521. However, this change occurs in the last base pair of coding exon 13, which makes it likely to have some effect on normal mRNA splicing. This nucleotide position is highly conserved in available vertebrate species. Using the BDGP and ESEfinder splice site prediction tools, this alteration is predicted to weaken the efficiency of the native splice donor site; however, direct evidence is unavailable. Since supporting evidence is limited at this time, the clinical significance of this alteration remains unclear.

Literature cited by the submitters: PubMed 17576681 (cited by Labcorp Genetics (formerly Invitae), Labcorp); PubMed 9536098 (cited by Labcorp Genetics (formerly Invitae), Labcorp).